The following is an entry in ClinVar:

ClinVar aggregate classification (germline): Pathogenic (1 of 4 stars; one submission).

Conditions:
Subcortical band heterotopia (SBH). Also called: DOUBLE CORTEX SYNDROME; SUBCORTICAL LAMINAR HETEROTOPIA; DC syndrome. Identifiers: Orphanet 99796, MedGen C1848201, MONDO:0020491, HP:0032409.

Submission:

Victorian Clinical Genetics Services, Murdoch Childrens Research Institute
Classification: Pathogenic for Subcortical band heterotopia. Last evaluated: 2022-09-02. Review status: criteria provided, single submitter. Criteria: ACMG Guidelines, 2015. Collection method: clinical testing. Allele origin: germline. Inheritance: X-linked inheritance.
Comment: A suspected mosaic frameshift duplication variant was identified, NM_178151.2(DCX):c.479_482dup in exon 3 of 7 of the DCX gene. This duplication is predicted to cause a frameshift starting at position 162, NP_835364.1(DCX):p.(Leu162Valfs*4), resulting in a loss of normal protein function through nonsense-mediated decay (NMD). The variant is not present in the gnomAD population database. The variant has not previously been reported in clinical cases, however, other variants predicted to cause NMD, both germline and somatic, have been reported as pathogenic in individuals with lissencephaly and subcortical laminal heterotopia (ClinVar, Gleeson, J. et al. (2000), Jamuar, S. et al. (2014), González-Morón, D. et al. (2017)). Based on information available at the time of curation, this variant has been classified as PATHOGENIC.

Literature cited by the submitters: PubMed 10915612; PubMed 25140959; PubMed 28953922.

NM_001195553.2(DCX):c.479_482dup (p.Leu162fs)

Gene: DCX (doublecortin; minus strand). Cytogenetic location: Xq23.
Variant type: Duplication.
Coding change: c.479_482dup on transcript NM_001195553.2 (MANE Select); coding-DNA positions 479 to 482, 4 bases duplicated (AGTC; older notation c.479_482dupAGTC).
Protein change: p.Leu162fs; shifts the reading frame from leucine 162.
Molecular consequence: frameshift variant.
Genome position (GRCh38, 1-based): chrX:111,401,213-111,401,216, GACT duplicated on the plus strand (AGTC on the coding strand, the reverse complement: DCX is on the minus strand); duplicating any 4 consecutive bases within chrX:111,401,213-111,401,217 gives the same sequence; the c. name uses the placement nearest the transcript's 3' end. VCF-style (leftmost placement, unchanged base first): chrX-111401212-G-GGACT. GRCh37 (hg19) VCF-style: chrX-110644440-G-GGACT.
Other names: c.722_725dup, p.Leu243fs (NM_000555.3); c.479_482dup, p.Leu162fs (NM_001369370.1, NM_001369371.1, NM_001369372.1 and 5 more transcripts); short protein forms L162fs, L243fs.
Identifiers: ClinVar variation 1699053 (VCV001699053.4), dbSNP rs2147263186, ClinGen allele CA923726172.